The following is an entry in ClinVar:

NM_198428.3(BBS9):c.566G>A (p.Arg189His)

Gene: BBS9 (Bardet-Biedl syndrome 9; plus strand). Cytogenetic location: 7p14.3.
Variant type: single nucleotide variant.
Coding change: c.566G>A on transcript NM_198428.3 (MANE Select); coding-DNA position 566, G replaced by A.
Protein change: p.Arg189His; replaces arginine 189 with histidine.
Molecular consequence: missense variant. On other transcripts: non-coding transcript variant (3).
Genome position (GRCh38, 1-based): chr7:33,257,359, G>A. VCF-style: chr7-33257359-G-A. GRCh37 (hg19) VCF-style: chr7-33296971-G-A.
Other names: c.566G>A, p.Arg189His (NM_001033604.2, NM_001033605.2, NM_001348036.1 and 5 more transcripts); c.200G>A, p.Arg67His (NM_001348037.3, NM_001348044.3, NM_001348045.3 and 1 more transcripts); c.293G>A, p.Arg98His (NM_001348038.3, NM_001348039.3); c.431G>A, p.Arg144His (NM_001348042.3); c.566G>A (NM_198428.2); short protein forms R98H, R144H, R67H, R189H.
Identifiers: ClinVar variation 1405566 (VCV001405566.6), dbSNP rs547643751, ClinGen allele CA4214039.
Genomic context (GRCh38, chr7:33,257,359, plus strand): 5'-ATGCTTTTGGAAGATTTCTCCCTGGCTTTCTTCTGCCTGGTCCTCTTGCCTACAGTTCCC[G>A]TACAGATTCCTTCCTTACTGTCTCTTCCTGCCAACAAGTGGAAAGTTATAAGTAAGTTTG-3'
Protein context (NP_940820.1, residues 179-199): LLPGPLAYSS[Arg189His]TDSFLTVSSC

ClinVar aggregate classification (germline): Uncertain significance. Review status: criteria provided, multiple submitters, no conflicts (2 of 4 stars). 4 submissions from 4 submitters: Uncertain significance (3). 1 of the submissions does not count toward it. Last evaluated 2024-08-06.

Conditions:
BBS9-related disorder. Also called: BBS9-related condition.
Bardet-Biedl syndrome (BBS). Identifiers: Orphanet 110, MedGen C0752166, MONDO:0015229.
Bardet-Biedl syndrome 9 (BBS9). Identifiers: Orphanet 110, MedGen C1859567, MONDO:0014437, OMIM 615986.

Allele frequency attached by ClinVar (database versions not stated): gnomAD 0.00002 and 0.00003; TOPMed 0.00003; gnomAD exomes 0.00004; ExAC 0.00005.
gnomAD v4.1: 81 of 1,613,846 alleles (0.005%); highest among the groups gnomAD compares: East Asian, 0.022%; no homozygotes.

Submissions (4):

Blueprint Genetics
Classification: Uncertain significance. Last evaluated: 2024-08-06. Review status: criteria provided, single submitter. Criteria: ACMG Guidelines, 2015. Collection method: clinical testing. Allele origin: germline.

Fulgent Genetics
Classification: Uncertain significance for Bardet-Biedl syndrome 9. Last evaluated: 2024-03-08. Review status: criteria provided, single submitter. Criteria: ACMG Guidelines, 2015. Collection method: clinical testing. Allele origin: germline.

Labcorp Genetics (formerly Invitae), Labcorp
Classification: Uncertain significance for Bardet-Biedl syndrome. Last evaluated: 2022-05-20. Review status: criteria provided, single submitter. Criteria: Invitae Variant Classification Sherloc (09022015). Collection method: clinical testing. Allele origin: germline.
Comment: This sequence change replaces arginine, which is basic and polar, with histidine, which is basic and polar, at codon 189 of the BBS9 protein (p.Arg189His). This variant is present in population databases (rs547643751, gnomAD 0.02%). This variant has not been reported in the literature in individuals affected with BBS9-related conditions. Algorithms developed to predict the effect of missense changes on protein structure and function are either unavailable or do not agree on the potential impact of this missense change (SIFT: "Deleterious"; PolyPhen-2: "Benign"; Align-GVGD: "Class C25"). In summary, the available evidence is currently insufficient to determine the role of this variant in disease. Therefore, it has been classified as a Variant of Uncertain Significance.

PreventionGenetics, part of Exact Sciences
Classification: Uncertain significance for BBS9-related condition. Last evaluated: 2024-04-03. Review status: no assertion criteria provided. Collection method: clinical testing. Allele origin: germline. Not counted in ClinVar's aggregate classification.
Comment: The BBS9 c.566G>A variant is predicted to result in the amino acid substitution p.Arg189His. To our knowledge, this variant has not been reported in the literature. This variant is reported in 0.011% of alleles in individuals of East Asian descent in gnomAD. At this time, the clinical significance of this variant is uncertain due to the absence of conclusive functional and genetic evidence.